The following is an entry in ClinVar:

NM_002074.5(GNB1):c.347G>T (p.Gly116Val)

Gene: GNB1 (G protein subunit beta 1; minus strand). Cytogenetic location: 1p36.33.
Variant type: single nucleotide variant.
Coding change: c.347G>T on transcript NM_002074.5 (MANE Select); coding-DNA position 347, G replaced by T.
Protein change: p.Gly116Val; replaces glycine 116 with valine.
Molecular consequence: missense variant.
Genome position (GRCh38, 1-based): chr1:1,804,502, C>A on the plus strand (G>T on the coding strand, the complement: GNB1 is on the minus strand). VCF-style: chr1-1804502-C-A. GRCh37 (hg19) VCF-style: chr1-1735941-C-A.
Other names: c.47G>T, p.Gly16Val (NM_001282538.2); c.347G>T, p.Gly116Val (NM_001282539.2); short protein forms G116V, G16V.
Identifiers: ClinVar variation 1194565 (VCV001194565.2), dbSNP rs1646670079, ClinGen allele CA337914809.

ClinVar aggregate classification (germline): Pathogenic (1 of 4 stars; one submission).

Submission:

GeneDx
Classification: Pathogenic. Last evaluated: 2020-09-18. Review status: criteria provided, single submitter. Criteria: GeneDx Variant Classification Process June 2021. Collection method: clinical testing. Allele origin: germline. Affected: yes.
Comment: Not observed in large population cohorts (Lek et al., 2016); In silico analysis supports that this missense variant has a deleterious effect on protein structure/function; Has not been previously published as pathogenic or benign to our knowledge